The following is an entry in ClinVar:

NC_012920.1(MT-ND4L):m.10530G>A

Gene: MT-ND4L (mitochondrially encoded NADH dehydrogenase 4L; plus strand).
Variant type: single nucleotide variant.
Genome position: chrM-10530-G-A.
Identifiers: ClinVar variation 693297 (VCV000693297.1), dbSNP rs1603222880, ClinGen allele CA414805707.

ClinVar aggregate classification (germline): Benign (1 of 4 stars; one submission).

Conditions:
Leigh syndrome (NULS). Also called: Leigh's necrotizing encephalopathy; Leigh's disease; Leigh Syndrome (mtDNA deletion); Leigh Disease; Subacute necrotizing encephalopathy; Necrotizing encephalopathy infantile subacute of Leigh. Identifiers: Orphanet 506, MedGen C2931891, MONDO:0009723, OMIM 256000.

Submission:

Wong Mito Lab, Molecular and Human Genetics, Baylor College of Medicine
Classification: Benign for Leigh syndrome. Last evaluated: 2019-10-17. Review status: criteria provided, single submitter. Criteria: Modified ACMG Guidelines (Unpublished). Collection method: clinical testing. Allele origin: germline.
Comment: The NC_012920.1:m.10530G>A (YP_003024034.1:p.Val21Met) variant in MTND4L gene is interpretated to be a Benign variant based on the modified ACMG guidelines (unpublished). This variant meets the following evidence codes: BS1, BS4, BP4